The following is an entry in ClinVar:

NM_001166108.2(PALLD):c.1965-12891C>T

Gene: PALLD (palladin, cytoskeletal associated protein; plus strand). Cytogenetic location: 4q32.3.
Variant type: single nucleotide variant.
Coding change: c.1965-12891C>T on transcript NM_001166108.2 (MANE Select); 12891 bases into the intron before coding-DNA position 1965, C replaced by T.
Molecular consequence: intron variant. On other transcripts: missense variant (1).
Genome position (GRCh38, 1-based): chr4:168,878,031, C>T. VCF-style: chr4-168878031-C-T. GRCh37 (hg19) VCF-style: chr4-169799182-C-T.
Other names: c.140C>T, p.Ser47Leu (NM_001166110.2); c.1965-12891C>T (NM_016081.4); c.819-12891C>T (NM_001166109.2); c.-157-12891C>T (NM_001367570.1, NM_001367568.1, NM_001367567.1 and 1 more transcripts); short protein forms S47L.
Identifiers: ClinVar variation 3413688 (VCV003413688.1).

ClinVar aggregate classification (germline): Uncertain significance (1 of 4 stars; one submission).

gnomAD v4.1: 4 of 1,489,698 alleles (0.00027%); highest among the groups gnomAD compares: African/African-American, 0.0029%; no homozygotes.

Submission:

Ambry Genetics
Classification: Uncertain significance. Last evaluated: 2024-11-18. Review status: criteria provided, single submitter. Criteria: Ambry Variant Classification Scheme 2023. Collection method: clinical testing. Allele origin: germline.
Comment: The p.S47L variant (also known as c.140C>T), located in coding exon 1 of the PALLD gene, results from a C to T substitution at nucleotide position 140. The serine at codon 47 is replaced by leucine, an amino acid with dissimilar properties. This amino acid position is conserved. In addition, this alteration is predicted to be tolerated by in silico analysis. Based on the available evidence, the clinical significance of this variant remains unclear.